The following is an entry in ClinVar:

ClinVar aggregate classification (germline): Pathogenic (1 of 4 stars; one submission).

Conditions:
Charcot-Marie-Tooth disease type 4. Also called: Charcot-Marie-Tooth, Type 4; Charcot-Marie-Tooth disease, type IV. Identifiers: Orphanet 64749, MedGen C4082197, MONDO:0018995.

Submission:

Labcorp Genetics (formerly Invitae), Labcorp
Classification: Pathogenic for Charcot-Marie-Tooth disease type 4. Last evaluated: 2024-02-13. Review status: criteria provided, single submitter. Criteria: Invitae Variant Classification Sherloc (09022015). Collection method: clinical testing. Allele origin: germline.
Comment: This sequence change creates a premature translational stop signal (p.Arg15Glyfs*19) in the SH3TC2 gene. It is expected to result in an absent or disrupted protein product. Loss-of-function variants in SH3TC2 are known to be pathogenic (PMID: 20220177, 27068304). The frequency data for this variant in the population databases is considered unreliable, as metrics indicate poor data quality at this position in the gnomAD database. This variant has not been reported in the literature in individuals affected with SH3TC2-related conditions. For these reasons, this variant has been classified as Pathogenic.

Literature cited by the submitters: PubMed 20220177; PubMed 27068304.

NM_024577.4(SH3TC2):c.43del (p.Arg15fs)

Gene: SH3TC2 (SH3 domain and tetratricopeptide repeats 2; minus strand). Cytogenetic location: 5q32.
Variant type: Deletion.
Coding change: c.43del on transcript NM_024577.4 (MANE Select); coding-DNA position 43, one base deleted (C; older notation c.43delC).
Protein change: p.Arg15fs; shifts the reading frame from arginine 15.
Molecular consequence: frameshift variant.
Genome position (GRCh38, 1-based): chr5:149,062,980, G deleted on the plus strand (C on the coding strand, the reverse complement: SH3TC2 is on the minus strand); the first of 3 consecutive G bases (chr5:149,062,980-149,062,982); deleting any one gives the same sequence. VCF-style (leftmost placement, unchanged base first): chr5-149062979-CG-C. GRCh37 (hg19) VCF-style: chr5-148442542-CG-C.
Other names: short protein forms R15fs.
Identifiers: ClinVar variation 3713401 (VCV003713401.2).